The following is an entry in ClinVar:

NM_000059.4(BRCA2):c.8188G>A (p.Ala2730Thr)

Gene: BRCA2 (BRCA2 DNA repair associated; plus strand). Cytogenetic location: 13q13.1.
Variant type: single nucleotide variant.
Coding change: c.8188G>A on transcript NM_000059.4 (MANE Select); coding-DNA position 8188, G replaced by A.
Protein change: p.Ala2730Thr; replaces alanine 2730 with threonine.
Molecular consequence: missense variant.
Genome position (GRCh38, 1-based): chr13:32,363,390, G>A. VCF-style: chr13-32363390-G-A. GRCh37 (hg19) VCF-style: chr13-32937527-G-A.
Other names: short protein forms A2730T.
Identifiers: ClinVar variation 986788 (VCV000986788.4), dbSNP rs80359066, ClinGen allele CA387749675.

ClinVar aggregate classification (germline): Uncertain significance. Review status: criteria provided, single submitter (1 of 4 stars). 2 submissions from 2 submitters: Uncertain significance (1). 1 of the submissions does not count toward it. Last evaluated 2025-03-09.

Conditions:
Hereditary breast ovarian cancer syndrome. Also called: Hereditary breast and ovarian cancer; Hereditary breast and/or ovarian cancer syndrome; Hereditary breast and ovarian cancer syndrome; Hereditary breast and ovarian cancer syndrome (HBOC); Breast and ovarian cancer; BRCA1- and BRCA2-Associated Hereditary Breast and Ovarian Cancer. Identifiers: Orphanet 145, MedGen C0677776, MeSH D061325, MONDO:0003582. Disease mechanism: loss of function.
Breast-ovarian cancer, familial, susceptibility to, 2 (BROVCA2). Also called: BRCA2 Hereditary Breast and Ovarian Cancer. Identifiers: Orphanet 145, MedGen C2675520, MONDO:0012933, OMIM 612555. Disease mechanism: loss of function.

Submissions (2):

Labcorp Genetics (formerly Invitae), Labcorp
Classification: Uncertain significance for Hereditary breast ovarian cancer syndrome. Last evaluated: 2025-03-09. Review status: criteria provided, single submitter. Criteria: Invitae Variant Classification Sherloc (09022015). Collection method: clinical testing. Allele origin: germline.
Comment: This sequence change replaces alanine, which is neutral and non-polar, with threonine, which is neutral and polar, at codon 2730 of the BRCA2 protein (p.Ala2730Thr). This variant is not present in population databases (gnomAD no frequency). This variant has not been reported in the literature in individuals affected with BRCA2-related conditions. ClinVar contains an entry for this variant (Variation ID: 986788). Invitae Evidence Modeling of protein sequence and biophysical properties (such as structural, functional, and spatial information, amino acid conservation, physicochemical variation, residue mobility, and thermodynamic stability) indicates that this missense variant is not expected to disrupt BRCA2 protein function with a negative predictive value of 95%. This variant disrupts the p.Ala2730 amino acid residue in BRCA2. Other variant(s) that disrupt this residue have been determined to be pathogenic (PMID: 25186627, 28888541, 31853058, 32886903). This suggests that this residue is clinically significant, and that variants that disrupt this residue are likely to be disease-causing. In summary, the available evidence is currently insufficient to determine the role of this variant in disease. Therefore, it has been classified as a Variant of Uncertain Significance.

University of Washington Department of Laboratory Medicine, University of Washington
Classification: Likely pathogenic for Breast-ovarian cancer, familial 2. Last evaluated: 2019-03-05. Review status: no assertion criteria provided. Collection method: research. Allele origin: paternal. Affected: yes. Not counted in ClinVar's aggregate classification.
Comment: This variant has been reported in 2 out of 8712 individuals of African ancestry (in GnomAD). This variant is located within the DSS1 contacting residue of the DNA binding domain and within the region of interaction with SHFM1. This variant occurs at a position that is highly conserved across species and is not present in the ExAC population database. Cosegregation analysis of one patient's family shows a likelihood ration of 10.5:1 that this variant is pathogenic (using the Thompson et al. cosegregation method [PMID 12900794] with calculator). Bayesian analysis integrating all this data gives a >99% probability of pathogenicity, which is consistent with a classification of pathogenic (PMID: 30374176, PMID: 29300386). A specific bioinformatic algorithm developed to assess BRCA2 variants suggests that the p.A2730P may be likely deleterious (PMID: 19043619). This analysis was performed in conjunction with the family studies project as part of the University of Washington Find My Variant study.

Literature cited by the submitters: PubMed 25186627 (cited by Labcorp Genetics (formerly Invitae), Labcorp); PubMed 28888541 (cited by Labcorp Genetics (formerly Invitae), Labcorp); PubMed 31853058 (cited by Labcorp Genetics (formerly Invitae), Labcorp); PubMed 32886903 (cited by Labcorp Genetics (formerly Invitae), Labcorp).